The following is an entry in ClinVar:

ClinVar aggregate classification (germline): Uncertain significance. Review status: criteria provided, multiple submitters, no conflicts (2 of 4 stars). 2 submissions from 2 submitters: Uncertain significance (2). Last evaluated 2023-04-25.

Submissions (2):

Ambry Genetics
Classification: Uncertain significance. Last evaluated: 2023-04-25. Review status: criteria provided, single submitter. Criteria: Ambry Variant Classification Scheme 2023. Collection method: clinical testing. Allele origin: germline.
Comment: The p.G88V variant (also known as c.263G>T), located in coding exon 1 of the GALNT12 gene, results from a G to T substitution at nucleotide position 263. The glycine at codon 88 is replaced by valine, an amino acid with dissimilar properties. This amino acid position is well conserved in available vertebrate species. In addition, this alteration is predicted to be tolerated by in silico analysis. The evidence for this gene-disease relationship is limited; therefore, the clinical significance of this alteration is unclear.

Labcorp Genetics (formerly Invitae), Labcorp
Classification: Uncertain significance. Last evaluated: 2022-10-05. Review status: criteria provided, single submitter. Criteria: Invitae Variant Classification Sherloc (09022015). Collection method: clinical testing. Allele origin: germline.
Comment: This sequence change replaces glycine, which is neutral and non-polar, with valine, which is neutral and non-polar, at codon 88 of the GALNT12 protein (p.Gly88Val). This variant is not present in population databases (gnomAD no frequency). This variant has not been reported in the literature in individuals affected with GALNT12-related conditions. ClinVar contains an entry for this variant (Variation ID: 821605). Advanced modeling of protein sequence and biophysical properties (such as structural, functional, and spatial information, amino acid conservation, physicochemical variation, residue mobility, and thermodynamic stability) performed at Invitae indicates that this missense variant is not expected to disrupt GALNT12 protein function. In summary, the available evidence is currently insufficient to determine the role of this variant in disease. Therefore, it has been classified as a Variant of Uncertain Significance.

NM_024642.5(GALNT12):c.263G>T (p.Gly88Val)

Gene: GALNT12 (polypeptide N-acetylgalactosaminyltransferase 12; plus strand). Cytogenetic location: 9q22.33.
Variant type: single nucleotide variant.
Coding change: c.263G>T on transcript NM_024642.5 (MANE Select); coding-DNA position 263, G replaced by T.
Protein change: p.Gly88Val; replaces glycine 88 with valine.
Molecular consequence: missense variant.
Genome position (GRCh38, 1-based): chr9:98,807,961, G>T. VCF-style: chr9-98807961-G-T. GRCh37 (hg19) VCF-style: chr9-101570243-G-T.
Other names: short protein forms G88V.
Identifiers: ClinVar variation 821605 (VCV000821605.9), dbSNP rs1588436309, ClinGen allele CA374222672.
Genomic context (GRCh38, chr9:98,807,961, plus strand): 5'-CGCCGGTGCCGGCGAACGCGCTGGGCGCGCGGGGCGAGGCGGTGCGGCTGCAGCTGCAGG[G>T]CGAGGAGCTGCGGCTGCAGGAGGAGAGCGTGCGGCTGCACCAGATTAACATCTACCTCAG-3'
Protein context (NP_078918.3, residues 78-98): RGEAVRLQLQ[Gly88Val]EELRLQEESV